The following is an entry in ClinVar:

NM_000090.4(COL3A1):c.2222G>A (p.Gly741Asp)

Gene: COL3A1 (collagen type III alpha 1 chain; plus strand). Cytogenetic location: 2q32.2.
Variant type: single nucleotide variant.
Coding change: c.2222G>A on transcript NM_000090.4 (MANE Select); coding-DNA position 2222, G replaced by A.
Protein change: p.Gly741Asp; replaces glycine 741 with aspartic acid.
Molecular consequence: missense variant.
Genome position (GRCh38, 1-based): chr2:188,999,570, G>A. VCF-style: chr2-188999570-G-A. GRCh37 (hg19) VCF-style: chr2-189864296-G-A.
Identifiers: ClinVar variation 101106 (VCV000101106.4), dbSNP rs553203474, ClinGen allele CA005219.

ClinVar aggregate classification (germline): Pathogenic/Likely pathogenic. Review status: criteria provided, multiple submitters, no conflicts (2 of 4 stars). 3 submissions from 3 submitters: Pathogenic (1); Likely pathogenic (1). 1 of the submissions does not count toward it. Last evaluated 2025-11-04.

Conditions:
Familial thoracic aortic aneurysm and aortic dissection (TAAD). Also called: Thoracic aortic aneurysms and dissections. Identifiers: Orphanet 91387, MedGen C4707243, MONDO:0019625.
Ehlers-Danlos syndrome, type 4 (EDSVASC). Also called: Ehlers-Danlos syndrome vascular type; Ehlers Danlos syndrome, ecchymotic type; Ehlers Danlos syndrome, arterial type; Ehlers Danlos syndrome, Sack-Barabas type; Ehlers-Danlos Syndrome Type IV. Identifiers: Orphanet 286, MedGen C0268338, MONDO:0017314, OMIM 130050.

Allele frequency attached by ClinVar (database versions not stated): ExAC 0.00001; gnomAD 0.00001; 1000 Genomes Project 30x 0.00016; 1000 Genomes Project 0.00020.
gnomAD v4.1: 1 of 1,613,100 alleles (0.000062%); highest among the groups gnomAD compares: African/African-American, 0.0013%; no homozygotes.

Submissions (3):

Ambry Genetics
Classification: Pathogenic for Familial thoracic aortic aneurysm and aortic dissection. Last evaluated: 2025-11-04. Review status: criteria provided, single submitter. Criteria: Ambry Variant Classification Scheme 2023. Collection method: clinical testing. Allele origin: germline.
Comment: The p.G741D pathogenic mutation (also known as c.2222G>A), located in coding exon 31 of the COL3A1 gene, results from a G to A substitution at nucleotide position 2222. The glycine at codon 741 is replaced by aspartic acid, an amino acid with similar properties. The majority (approximately two-thirds) of COL3A1 mutations identified to date have involved the substitution of another amino acid for glycine within the triple-helical domain (Pepin MG et al. Genet Med. 2014;16:881-8; Frank M et al. Eur J Hum Genet. 2015;23:1657-64). This variant was reported in individual(s) with features consistent with vascular Ehlers-Danlos syndrome (Pepin MG et al. Genet. Med. 2014;16:881-8; Frank M et al. Eur. J. Hum. Genet. 2015;23:1657-64; Ambry internal data). Internal structural analysis has demonstrated that this alteration disrupts the characteristic G-X-Y motif in the COL3A1 protein and inserts a bulky side chain into a sterically-constrained region (Bella J et al. Science. 1994;266:75-81; Hohenester E et al. Proc. Natl. Acad. Sci. U.S.A. 2008;105:18273-7). This amino acid position is highly conserved in available vertebrate species. In addition, this alteration is predicted to be deleterious by in silico analysis. This variant is considered to be rare based on population cohorts in the Genome Aggregation Database (gnomAD). Based on the supporting evidence, this variant is interpreted as a disease-causing mutation.

Laboratory for Molecular Medicine, Mass General Brigham Personalized Medicine
Classification: Likely pathogenic for Ehlers-Danlos syndrome, type 4. Last evaluated: 2019-04-17. Review status: criteria provided, single submitter. Criteria: ACMG Guidelines, 2015. Collection method: clinical testing. Allele origin: germline. Inheritance: Autosomal dominant inheritance.
Comment: The p.Gly741Asp variant in COL3A1 has been identified in 2 individuals with vascular Ehlers Danlos syndrome (vEDS; Frank 2015, Pepin 2014) and was absent from large population studies. In addition, 2 other variants at the same position (p.Gly741Cys and p.Gly741Ser) have also been identified in individuals with vEDS (Inokuchi 2014, Frank 2015, Pepin 2014, ClinVar), suggesting changes at this position are not tolerated. Computational prediction tools and conservation analysis suggest that the p.Gly741Asp variant may impact the protein, though this information is not predictive enough to determine pathogenicity. Furthermore, this variant affects a highly conserved glycine (Gly) residue in the Gly-X-Y motif, which is a common finding in individuals with vEDS. In summary, although additional studies are required to fully establish its clinical significance, this variant meets criteria to be classified as likely pathogenic for autosomal dominant vascular Ehlers Danlos syndrome. ACMG/AMP Criteria applied: PM1; PM2; PM5; PP3; PS4_Supporting.

Collagen Diagnostic Laboratory, University of Washington
Classification: Pathogenic for Ehlers-Danlos syndrome, type 4. Review status: no assertion criteria provided. Collection method: clinical testing. Allele origin: germline. Affected: yes. Not counted in ClinVar's aggregate classification.

Literature cited by the submitters: PubMed 24922459 (cited by Ambry Genetics); PubMed 25758994 (cited by Ambry Genetics).